The following is an entry in ClinVar:

NM_001040716.2(PC):c.106_107delinsAGACAGT (p.Pro36fs)

Gene: PC (pyruvate carboxylase; minus strand). Cytogenetic location: 11q13.2.
Variant type: Indel.
Coding change: c.106_107delinsAGACAGT on transcript NM_001040716.2 (MANE Select); coding-DNA positions 106 to 107, CC replaced by AGACAGT.
Protein change: p.Pro36fs; shifts the reading frame from proline 36.
Molecular consequence: frameshift variant.
Genome position (GRCh38, 1-based): chr11:66,872,053-66,872,054, GG replaced by ACTGTCT on the plus strand (CC replaced by AGACAGT on the coding strand, the reverse complement: PC is on the minus strand). VCF-style: chr11-66872053-GG-ACTGTCT. GRCh37 (hg19) VCF-style: chr11-66639524-GG-ACTGTCT.
Other names: c.106_107delinsAGACAGT, p.Pro36fs (NM_000920.4, NM_022172.3); short protein forms P36fs.
Identifiers: ClinVar variation 1726054 (VCV001726054.2), dbSNP rs2495805436, ClinGen allele CA2580084607.

ClinVar aggregate classification (germline): Likely pathogenic (1 of 4 stars; one submission).

Conditions:
Pyruvate carboxylase deficiency. Also called: ATAXIA WITH LACTIC ACIDOSIS II; LEIGH NECROTIZING ENCEPHALOPATHY DUE TO PYRUVATE CARBOXYLASE DEFICIENCY; LEIGH SYNDROME DUE TO PYRUVATE CARBOXYLASE DEFICIENCY; PC DEFICIENCY; Pyruvate Carboxylase Deficiency Disease. Identifiers: Orphanet 3008, MedGen C0034341, MONDO:0009949, OMIM 266150.

Submission:

Myriad Genetics, Inc.
Classification: Likely pathogenic for Pyruvate carboxylase deficiency. Last evaluated: 2022-05-14. Review status: criteria provided, single submitter. Criteria: Myriad Women's Health Autosomal Recessive and X-Linked Classification Criteria (2021). Collection method: clinical testing. Allele origin: unknown.
Comment: NM_000920.3(PC):c.106_107del2ins7(P36Rfs*31) is expected to be pathogenic in the context of pyruvate carboxylase deficiency. This variant is predicted to lead to an abnormal or absent protein product due to the creation of a premature termination codon in PC, a gene where loss-of-function variants are known to be pathogenic. Please note: this variant was assessed in the context of healthy population screening.